The following is an entry in ClinVar:

NM_001363118.2(SLC52A2):c.479T>G (p.Val160Gly)

Gene: SLC52A2 (solute carrier family 52 member 2; plus strand). Cytogenetic location: 8q24.3.
Variant type: single nucleotide variant.
Coding change: c.479T>G on transcript NM_001363118.2 (MANE Select); coding-DNA position 479, T replaced by G.
Protein change: p.Val160Gly; replaces valine 160 with glycine.
Molecular consequence: missense variant. On other transcripts: non-coding transcript variant (1), intron variant (1).
Genome position (GRCh38, 1-based): chr8:144,359,971, T>G. VCF-style: chr8-144359971-T-G. GRCh37 (hg19) VCF-style: chr8-145583631-T-G.
Other names: c.479T>G, p.Val160Gly (NM_001253815.2, NM_001253816.2, NM_001363120.2 and 2 more transcripts); c.215T>G, p.Val72Gly (NM_001410949.1); c.131-144T>G (NM_001363122.2); short protein forms V72G, V160G.
Identifiers: ClinVar variation 2087764 (VCV002087764.4), dbSNP rs2489041548, ClinGen allele CA372627247.

ClinVar aggregate classification (germline): Uncertain significance (1 of 4 stars; one submission).

Conditions:
Brown-Vialetto-van Laere syndrome 2. Also called: SPINOCEREBELLAR ATAXIA WITH BLINDNESS AND DEAFNESS 2; Riboflavin transporter deficiency type 2. Identifiers: Orphanet 572543, Orphanet 97229, MedGen C3553538, MONDO:0013867, OMIM 614707.

Submission:

Labcorp Genetics (formerly Invitae), Labcorp
Classification: Uncertain significance for Brown-Vialetto-van Laere syndrome 2. Last evaluated: 2022-06-22. Review status: criteria provided, single submitter. Criteria: Invitae Variant Classification Sherloc (09022015). Collection method: clinical testing. Allele origin: germline.
Comment: In summary, the available evidence is currently insufficient to determine the role of this variant in disease. Therefore, it has been classified as a Variant of Uncertain Significance. This sequence change replaces valine, which is neutral and non-polar, with glycine, which is neutral and non-polar, at codon 160 of the SLC52A2 protein (p.Val160Gly). Advanced modeling of protein sequence and biophysical properties (such as structural, functional, and spatial information, amino acid conservation, physicochemical variation, residue mobility, and thermodynamic stability) performed at Invitae indicates that this missense variant is not expected to disrupt SLC52A2 protein function. This variant has not been reported in the literature in individuals affected with SLC52A2-related conditions. This variant is not present in population databases (gnomAD no frequency).